The following is an entry in ClinVar:

ClinVar aggregate classification (germline): Likely pathogenic. Review status: criteria provided, single submitter (1 of 4 stars). 2 submissions from 2 submitters: Likely pathogenic (1). 1 of the submissions does not count toward it. Last evaluated 2025-12-15.

Conditions:
PRPH2-related disorder. Also called: PRPH2-related disorders; PRPH2-related condition. Identifiers: MedGen CN239395.
Retinal dystrophy. Also called: Inherited retinal dystrophy. Identifiers: Orphanet 71862, MedGen C0854723, MeSH D058499, MONDO:0019118, HP:0000556.

Allele frequency attached by ClinVar (database versions not stated): gnomAD 0.00001.

Submissions (2):

Labcorp Genetics (formerly Invitae), Labcorp
Classification: Likely pathogenic for PRPH2-related disorder. Last evaluated: 2025-12-15. Review status: criteria provided, single submitter. Criteria: Invitae Variant Classification Sherloc (09022015). Collection method: clinical testing. Allele origin: germline.
Comment: This sequence change replaces tyrosine, which is neutral and polar, with cysteine, which is neutral and slightly polar, at codon 140 of the PRPH2 protein (p.Tyr140Cys). This variant is not present in population databases (gnomAD no frequency). This missense change has been observed in individuals with clinical features of autosomal dominant inherited retinal dystrophy and/or Stargardt disease (internal data). ClinVar contains an entry for this variant (Variation ID: 1358170). Invitae Evidence Modeling of protein sequence and biophysical properties (such as structural, functional, and spatial information, amino acid conservation, physicochemical variation, residue mobility, and thermodynamic stability) indicates that this missense variant is expected to disrupt PRPH2 protein function with a positive predictive value of 80%. In summary, the currently available evidence indicates that the variant is pathogenic, but additional data are needed to prove that conclusively. Therefore, this variant has been classified as Likely Pathogenic.

Institute of Human Genetics, Univ. Regensburg, Univ. Regensburg
Classification: Likely pathogenic for Retinal dystrophy. Last evaluated: 2021-01-01. Review status: no assertion criteria provided. Criteria: ACMG Guidelines, 2015. Collection method: clinical testing. Allele origin: germline. Affected: yes. Not counted in ClinVar's aggregate classification.

NM_000322.5(PRPH2):c.419A>G (p.Tyr140Cys)

Gene: PRPH2 (peripherin 2; minus strand). Cytogenetic location: 6p21.1.
Variant type: single nucleotide variant.
Coding change: c.419A>G on transcript NM_000322.5 (MANE Select); coding-DNA position 419, A replaced by G.
Protein change: p.Tyr140Cys; replaces tyrosine 140 with cysteine.
Molecular consequence: missense variant.
Genome position (GRCh38, 1-based): chr6:42,721,916, T>C on the plus strand (A>G on the coding strand, the complement: PRPH2 is on the minus strand). VCF-style: chr6-42721916-T-C. GRCh37 (hg19) VCF-style: chr6-42689654-T-C.
Other names: short protein forms Y140C.
Identifiers: ClinVar variation 1358170 (VCV001358170.7), dbSNP rs1761910060, ClinGen allele CA364137598.